The following is an entry in ClinVar:

NM_003865.3(HESX1):c.421_422del (p.Leu141fs)

Gene: HESX1 (HESX homeobox 1; minus strand). Cytogenetic location: 3p14.3.
Variant type: Deletion.
Coding change: c.421_422del on transcript NM_003865.3 (MANE Select); coding-DNA positions 421 to 422, 2 bases deleted (TT; older notation c.421_422delTT).
Protein change: p.Leu141fs; shifts the reading frame from leucine 141.
Molecular consequence: frameshift variant. On other transcripts: non-coding transcript variant (1).
Genome position (GRCh38, 1-based): chr3:57,198,428-57,198,429, AA deleted on the plus strand (TT on the coding strand, the reverse complement: HESX1 is on the minus strand). VCF-style (leftmost placement, unchanged base first): chr3-57198427-TAA-T. GRCh37 (hg19) VCF-style: chr3-57232455-TAA-T.
Other names: c.421_422del, p.Leu141fs (NM_001376058.1, NM_001376059.1, NM_001376060.1 and 1 more transcripts); short protein forms L141fs.
Identifiers: ClinVar variation 2630288 (VCV002630288.1), dbSNP rs778799278, ClinGen allele CA2463244.
Genomic context (GRCh38, chr3:57,198,427, plus strand): 5'-ATAACAACTAAATTTGAAAATTACCTGGATTCTGTCTTCCTCTAGATTCAATTTTTGAGC[TAA>T]GTCTTCTCTAATATCGATACCAGGATAGCAGTTTACTCTAAAGACATTTTCTAACACTTC-3'

ClinVar aggregate classification (germline): Uncertain significance (1 of 4 stars; one submission).

Conditions:
HESX1-related disorder. Also called: HESX1-related condition.

Allele frequency attached by ClinVar (database versions not stated): gnomAD exomes below 0.00001; TOPMed below 0.00001; ExAC 0.00001.

Submission:

PreventionGenetics, part of Exact Sciences
Classification: Uncertain significance for HESX1-related condition. Last evaluated: 2023-03-13. Review status: criteria provided, single submitter. Criteria: ACMG Guidelines, 2015. Collection method: clinical testing. Allele origin: germline.
Comment: The HESX1 c.421_422delTT variant is predicted to result in a frameshift and premature protein termination (p.Leu141Serfs*27). To our knowledge, this variant has not been reported in the literature. This variant is reported in 0.0029% of alleles in individuals of Latino descent in gnomAD. Although we suspect that this variant may be pathogenic, at this time, the clinical significance of this variant is uncertain due to the absence of conclusive functional and genetic evidence.